The following is an entry in ClinVar:

NM_001323289.2(CDKL5):c.100-31T>G

Gene: CDKL5 (cyclin dependent kinase like 5; plus strand). Cytogenetic location: Xp22.13.
Variant type: single nucleotide variant.
Coding change: c.100-31T>G on transcript NM_001323289.2 (MANE Select); 31 bases into the intron before coding-DNA position 100, T replaced by G.
Molecular consequence: intron variant.
Genome position (GRCh38, 1-based): chrX:18,564,446, T>G. VCF-style: chrX-18564446-T-G. GRCh37 (hg19) VCF-style: chrX-18582566-T-G.
Other names: c.100-31T>G (NM_003159.3, NM_001037343.2).
Identifiers: ClinVar variation 3776087 (VCV003776087.1).
Genomic context (GRCh38, chrX:18,564,446, plus strand): 5'-CTCTGTCCCAGAATATACCCCCAGGCAACTGGAATCCCCAGTCGGAAAAACACTGGAGAA[T>G]GACTTTCCTTCTGCTTCTTTTCCCTTGCAGGAAACACATGAAATTGTGGCGATCAAGAAA-3'

ClinVar aggregate classification (germline): Uncertain significance (1 of 4 stars; one submission).

Conditions:
Developmental and epileptic encephalopathy, 2 (DEE2). Also called: CDKL5 deficiency disorder; INFANTILE SPASM SYNDROME, X-LINKED 2. Identifiers: Orphanet 1934, Orphanet 3451, Orphanet 505652, MedGen C4750718, MONDO:0010396, OMIM 300672.

Submission:

3billion
Classification: Uncertain significance for Developmental and epileptic encephalopathy, 2. Last evaluated: 2023-12-08. Review status: criteria provided, single submitter. Criteria: ACMG Guidelines, 2015. Collection method: clinical testing. Allele origin: germline. Affected: yes.
Comment: The variant is not observed in the gnomAD v2.1.1 dataset. Predicted Consequence/Location: Intron variant In silico tools predict the variant to alter splicing and produce an abnormal transcript [SpliceAI: 0.62 (>=0.2, moderate evidence for spliceogenicity)]. Therefore, this variant is classified as VUS according to the recommendation of ACMG/AMP guideline.